The following is an entry in ClinVar:

ClinVar aggregate classification (germline): Uncertain significance (1 of 4 stars; one submission).

Conditions:
Dilated cardiomyopathy 1DD (CMD1DD). Identifiers: Orphanet 154, MedGen C2750995, MONDO:0013168, OMIM 613172.

Submission:

Labcorp Genetics (formerly Invitae), Labcorp
Classification: Uncertain significance for Dilated cardiomyopathy 1DD. Last evaluated: 2022-04-03. Review status: criteria provided, single submitter. Criteria: Invitae Variant Classification Sherloc (09022015). Collection method: clinical testing. Allele origin: germline.
Comment: This sequence change replaces cysteine, which is neutral and slightly polar, with serine, which is neutral and polar, at codon 1024 of the RBM20 protein (p.Cys1024Ser). This variant is not present in population databases (gnomAD no frequency). This variant has not been reported in the literature in individuals affected with RBM20-related conditions. Advanced modeling of protein sequence and biophysical properties (such as structural, functional, and spatial information, amino acid conservation, physicochemical variation, residue mobility, and thermodynamic stability) performed at Invitae indicates that this missense variant is not expected to disrupt RBM20 protein function. In summary, the available evidence is currently insufficient to determine the role of this variant in disease. Therefore, it has been classified as a Variant of Uncertain Significance.

NM_001134363.3(RBM20):c.3071G>C (p.Cys1024Ser)

Gene: RBM20 (RNA binding motif protein 20; plus strand). Cytogenetic location: 10q25.2.
Variant type: single nucleotide variant.
Coding change: c.3071G>C on transcript NM_001134363.3 (MANE Select); coding-DNA position 3071, G replaced by C.
Protein change: p.Cys1024Ser; replaces cysteine 1024 with serine.
Molecular consequence: missense variant.
Genome position (GRCh38, 1-based): chr10:110,821,690, G>C. VCF-style: chr10-110821690-G-C. GRCh37 (hg19) VCF-style: chr10-112581448-G-C.
Other names: short protein forms C1024S.
Identifiers: ClinVar variation 2121052 (VCV002121052.4), dbSNP rs1168310223, ClinGen allele CA378380550.